The following is an entry in ClinVar:

ClinVar aggregate classification (germline): Uncertain significance (1 of 4 stars; one submission).

Conditions:
Episodic ataxia type 2 (EA2). Also called: ATAXIA, EPISODIC, WITH NYSTAGMUS; ATAXIA, FAMILIAL PAROXYSMAL; ACETAZOLAMIDE-RESPONSIVE HEREDITARY PAROXYSMAL CEREBELLAR ATAXIA; CEREBELLAR ATAXIA, PAROXYSMAL, ACETAZOLAMIDE-RESPONSIVE; CEREBELLOPATHY, HEREDITARY PAROXYSMAL; EPISODIC ATAXIA, NYSTAGMUS-ASSOCIATED. Identifiers: Orphanet 97, MedGen C1720416, MONDO:0007163, OMIM 108500.
Developmental and epileptic encephalopathy, 42 (DEE42A). Also called: Epileptic encephalopathy, early infantile, 42; DEVELOPMENTAL AND EPILEPTIC ENCEPHALOPATHY 42A; EPILEPTIC ENCEPHALOPATHY, EARLY INFANTILE, 42A. Identifiers: MedGen C4310716, MONDO:0014917, OMIM 617106.

Submission:

Labcorp Genetics (formerly Invitae), Labcorp
Classification: Uncertain significance for Developmental and epileptic encephalopathy, 42; Episodic ataxia type 2. Last evaluated: 2024-02-17. Review status: criteria provided, single submitter. Criteria: Invitae Variant Classification Sherloc (09022015). Collection method: clinical testing. Allele origin: germline.
Comment: This variant, c.6630_6644dup, results in the insertion of 5 amino acid(s) of the CACNA1A protein (p.Gln2210_His2214dup), but otherwise preserves the integrity of the reading frame. This variant is not present in population databases (gnomAD no frequency). This variant has not been reported in the literature in individuals affected with CACNA1A-related conditions. In summary, the available evidence is currently insufficient to determine the role of this variant in disease. Therefore, it has been classified as a Variant of Uncertain Significance.

NM_001127222.2(CACNA1A):c.6627_6641dup (p.His2213_His2214insGlnHisHisHisHis)

Gene: CACNA1A (calcium voltage-gated channel subunit alpha1 A; minus strand). Cytogenetic location: 19p13.13.
Variant type: Duplication.
Coding change: c.6627_6641dup on transcript NM_001127222.2 (MANE Select); coding-DNA positions 6627 to 6641, 15 bases duplicated (GCACCACCACCACCA).
Protein change: p.His2213_His2214insGlnHisHisHisHis.
Molecular consequence: inframe insertion.
Genome position (GRCh38, 1-based): chr19:13,208,895-13,208,909, TGGTGGTGGTGGTGC duplicated on the plus strand (GCACCACCACCACCA on the coding strand, the reverse complement: CACNA1A is on the minus strand); duplicating any 15 consecutive bases within chr19:13,208,895-13,208,911 gives the same sequence; the c. name uses the placement nearest the transcript's 3' end. VCF-style (leftmost placement, unchanged base first): chr19-13208894-G-GTGGTGGTGGTGGTGC. GRCh37 (hg19) VCF-style: chr19-13319708-G-GTGGTGGTGGTGGTGC.
Other names: c.6645_6659dup, p.His2219_His2220insGlnHisHisHisHis (NM_000068.4, NM_023035.3); c.6630_6644dup, p.His2214_His2215insGlnHisHisHisHis (NM_001127221.2); c.6636_6650dup, p.His2216_His2217insGlnHisHisHisHis (NM_001174080.2).
Identifiers: ClinVar variation 3764063 (VCV003764063.2).